The following is an entry in ClinVar:

NM_014014.5(SNRNP200):c.2950C>G (p.Leu984Val)

Gene: SNRNP200 (small nuclear ribonucleoprotein U5 subunit 200; minus strand). Cytogenetic location: 2q11.2.
Variant type: single nucleotide variant.
Coding change: c.2950C>G on transcript NM_014014.5 (MANE Select); coding-DNA position 2950, C replaced by G.
Protein change: p.Leu984Val; replaces leucine 984 with valine.
Molecular consequence: missense variant.
Genome position (GRCh38, 1-based): chr2:96,289,370, G>C on the plus strand (C>G on the coding strand, the complement: SNRNP200 is on the minus strand). VCF-style: chr2-96289370-G-C. GRCh37 (hg19) VCF-style: chr2-96955108-G-C.
Other names: short protein forms L984V.
Identifiers: ClinVar variation 1366839 (VCV001366839.7), dbSNP rs769208303, ClinGen allele CA1778581.

ClinVar aggregate classification (germline): Uncertain significance (1 of 4 stars; one submission).

Allele frequency attached by ClinVar (database versions not stated): TOPMed below 0.00001; ExAC 0.00002.
gnomAD v4.1: 27 of 1,613,998 alleles (0.0017%); highest among the groups gnomAD compares: Non-Finnish European, 0.0021%; no homozygotes.

Submissions (2):

Labcorp Genetics (formerly Invitae), Labcorp
Classification: Uncertain significance. Last evaluated: 2022-03-14. Review status: criteria provided, single submitter. Criteria: Invitae Variant Classification Sherloc (09022015). Collection method: clinical testing. Allele origin: germline.
Comment: In summary, the available evidence is currently insufficient to determine the role of this variant in disease. Therefore, it has been classified as a Variant of Uncertain Significance. Algorithms developed to predict the effect of sequence changes on RNA splicing suggest that this variant may create or strengthen a splice site. Algorithms developed to predict the effect of missense changes on protein structure and function are either unavailable or do not agree on the potential impact of this missense change (SIFT: "Deleterious"; PolyPhen-2: "Possibly Damaging"; Align-GVGD: "Class C0"). This variant has not been reported in the literature in individuals affected with SNRNP200-related conditions. This variant is present in population databases (rs769208303, gnomAD 0.004%). This sequence change replaces leucine, which is neutral and non-polar, with valine, which is neutral and non-polar, at codon 984 of the SNRNP200 protein (p.Leu984Val).

Dr. Peter K. Rogan Lab, Western University
No classification provided (evidence only). Condition: Melanoma. Review status: no classification provided. Collection method: in vitro. Allele origin: not applicable. Functional consequence: retained intron. Not counted in ClinVar's aggregate classification.